The following is an entry in ClinVar:

NM_000153.4(GALC):c.1523C>T (p.Ala508Val)

Gene: GALC (galactosylceramidase; minus strand). Cytogenetic location: 14q31.3.
Variant type: single nucleotide variant.
Coding change: c.1523C>T on transcript NM_000153.4 (MANE Select); coding-DNA position 1523, C replaced by T.
Protein change: p.Ala508Val; replaces alanine 508 with valine.
Molecular consequence: missense variant.
Genome position (GRCh38, 1-based): chr14:87,945,700, G>A on the plus strand (C>T on the coding strand, the complement: GALC is on the minus strand). VCF-style: chr14-87945700-G-A. GRCh37 (hg19) VCF-style: chr14-88412044-G-A.
Other names: c.1454C>T, p.Ala485Val (NM_001201401.2); c.1445C>T, p.Ala482Val (NM_001201402.2); short protein forms A508V, A482V, A485V.
Identifiers: ClinVar variation 1484436 (VCV001484436.6), dbSNP rs2139951602, ClinGen allele CA390746268.
Genomic context (GRCh38, chr14:87,945,700, plus strand): 5'-AAGTGATGCTCGCCAGGGTCTTCAATATTTGTAAAATATTCAAATACACCAGTTTGATCA[G>A]CAAAGTTTGGAGCTTCACTAAAAAATGGGTAATCTGTTCAGAATGTAAGAAATTCTCTGT-3'
Protein context (NP_000144.2, residues 498-518): YPFFSEAPNF[Ala508Val]DQTGVFEYFT

ClinVar aggregate classification (germline): Uncertain significance (1 of 4 stars; one submission).

Conditions:
Galactosylceramide beta-galactosidase deficiency. Also called: Krabbe Disease; Leukodystrophy, Globoid Cell; GALACTOCEREBROSIDASE DEFICIENCY; GALC DEFICIENCY; GLOBOID CELL LEUKOENCEPHALOPATHY. Identifiers: Orphanet 487, MedGen C0023521, MONDO:0009499, OMIM 245200.

Submission:

Labcorp Genetics (formerly Invitae), Labcorp
Classification: Uncertain significance for Galactosylceramide beta-galactosidase deficiency. Last evaluated: 2021-08-18. Review status: criteria provided, single submitter. Criteria: Invitae Variant Classification Sherloc (09022015). Collection method: clinical testing. Allele origin: germline.
Comment: This sequence change replaces alanine with valine at codon 508 of the GALC protein (p.Ala508Val). The alanine residue is highly conserved and there is a small physicochemical difference between alanine and valine. This variant is not present in population databases (ExAC no frequency). This variant has not been reported in the literature in individuals affected with GALC-related conditions. Advanced modeling of protein sequence and biophysical properties (such as structural, functional, and spatial information, amino acid conservation, physicochemical variation, residue mobility, and thermodynamic stability) performed at Invitae indicates that this missense variant is expected to disrupt GALC protein function. In summary, the available evidence is currently insufficient to determine the role of this variant in disease. Therefore, it has been classified as a Variant of Uncertain Significance.